The following is an entry in ClinVar:

NM_006348.5(COG5):c.*612G>C

Gene: COG5 (component of oligomeric golgi complex 5; minus strand). Cytogenetic location: 7q22.3.
Variant type: single nucleotide variant.
Coding change: c.*612G>C on transcript NM_006348.5 (MANE Select); 612 bases downstream of the stop codon, G replaced by C.
Molecular consequence: 3 prime UTR variant.
Genome position (GRCh38, 1-based): chr7:107,202,904, C>G on the plus strand (G>C on the coding strand, the complement: COG5 is on the minus strand). VCF-style: chr7-107202904-C-G. GRCh37 (hg19) VCF-style: chr7-106843349-C-G.
Other names: c.*612G>C (NM_001379511.1, NM_001379512.1, NM_001379513.1 and 4 more transcripts).
Identifiers: ClinVar variation 358443 (VCV000358443.5), dbSNP rs6958137, ClinGen allele CA10624981.

ClinVar aggregate classification (germline): Likely benign (1 of 4 stars; one submission).

Conditions:
COG5-congenital disorder of glycosylation. Also called: CONGENITAL DISORDER OF GLYCOSYLATION, TYPE IIi; CDG IIi; COG5-CDG. Identifiers: Orphanet 263487, MedGen C3150876, MONDO:0013325, OMIM 613612.

Allele frequency attached by ClinVar (database versions not stated): TOPMed 0.00496; 1000 Genomes Project 0.00739; 1000 Genomes Project 30x 0.00765.

Submission:

Illumina Laboratory Services, Illumina
Classification: Likely benign for COG5-congenital disorder of glycosylation. Last evaluated: 2018-01-12. Review status: criteria provided, single submitter. Criteria: ICSL Variant Classification Criteria 13 December 2019. Collection method: clinical testing. Allele origin: germline.
Comment: This variant was observed in the ICSL laboratory as part of a predisposition screen in an ostensibly healthy population. It had not been previously curated by ICSL or reported in the Human Gene Mutation Database (HGMD: prior to June 1st, 2018), and was therefore a candidate for classification through an automated scoring system. Utilizing variant allele frequency, disease prevalence and penetrance estimates, and inheritance mode, an automated score was calculated to assess if this variant is too frequent to cause the disease. Based on the score and internal cut-off values, a variant classified as likely benign is not then subjected to further curation. The score for this variant resulted in a classification of likely benign for this disease.